The following is an entry in ClinVar:

NM_001374828.1(ARID1B):c.612_617del (p.Gln213_Gln214del)

Genes: ARID1B (AT-rich interaction domain 1B; plus strand), LOC115308161 (uncharacterized LOC115308161; minus strand). Cytogenetic location: 6q25.3.
Variant type: Deletion.
Coding change: c.612_617del on transcript NM_001374828.1 (MANE Select); coding-DNA positions 612 to 617, 6 bases deleted (ACAGCA; older notation c.612_617delACAGCA).
Protein change: p.Gln213_Gln214del.
Molecular consequence: inframe deletion. On other transcripts: non-coding transcript variant (1).
Genome position (GRCh38, 1-based): chr6:156,778,292-156,778,297, ACAGCA deleted; deleting any 6 consecutive bases within chr6:156,778,287-156,778,297 gives the same sequence; the c. name uses the placement nearest the transcript's 3' end. VCF-style (leftmost placement, unchanged base first): chr6-156778286-GCAGCAA-G. GRCh37 (hg19) VCF-style: chr6-157099420-GCAGCAA-G.
Other names: c.612_617del, p.Gln213_Gln214del (NM_001371656.1, NM_001374820.1, NM_017519.3); c.363_368del6 (NM_020732.3).
Identifiers: ClinVar variation 2041239 (VCV002041239.6), dbSNP rs750911844, ClinGen allele CA4066655.

ClinVar aggregate classification (germline): Likely benign. Review status: criteria provided, single submitter (1 of 4 stars). 2 submissions from 2 submitters: Likely benign (1). 1 of the submissions does not count toward it. Last evaluated 2025-09-08.

Conditions:
ARID1B-Related Disorder. Identifiers: MedGen CN381337.

Submissions (2):

Labcorp Genetics (formerly Invitae), Labcorp
Classification: Likely benign. Last evaluated: 2025-09-08. Review status: criteria provided, single submitter. Criteria: Invitae Variant Classification Sherloc (09022015). Collection method: clinical testing. Allele origin: germline.

PreventionGenetics, part of Exact Sciences
Classification: Likely benign for ARID1B-related condition. Last evaluated: 2022-07-08. Review status: no assertion criteria provided. Collection method: clinical testing. Allele origin: germline. Not counted in ClinVar's aggregate classification.
Comment: This variant is classified as likely benign based on ACMG/AMP sequence variant interpretation guidelines (Richards et al. 2015 PMID: 25741868, with internal and published modifications).